The following is an entry in ClinVar:

ClinVar aggregate classification (germline): Uncertain significance (1 of 4 stars; one submission).

Conditions:
Mucopolysaccharidosis, MPS-III-C (MPS3C). Also called: SANFILIPPO SYNDROME C; MPS III C; MPS IIIC (Sanfilippo Syndrome Type C); MUCOPOLYSACCHARIDOSIS, TYPE IIIC; Mucopolysaccharidosis type IIIC (Sanfilippo C); mucopolysaccharidosis type 3C. Identifiers: Orphanet 581, Orphanet 79271, MedGen C0086649, MONDO:0009657, OMIM 252930.
Retinitis pigmentosa 73 (RP73). Identifiers: Orphanet 791, MedGen C4225287, MONDO:0014687, OMIM 616544.

Submission:

Labcorp Genetics (formerly Invitae), Labcorp
Classification: Uncertain significance for Retinitis pigmentosa 73; Mucopolysaccharidosis, MPS-III-C. Last evaluated: 2021-10-11. Review status: criteria provided, single submitter. Criteria: Invitae Variant Classification Sherloc (09022015). Collection method: clinical testing. Allele origin: germline.
Comment: Advanced modeling of protein sequence and biophysical properties (such as structural, functional, and spatial information, amino acid conservation, physicochemical variation, residue mobility, and thermodynamic stability) performed at Invitae indicates that this missense variant is not expected to disrupt HGSNAT protein function. This variant has not been reported in the literature in individuals affected with HGSNAT-related conditions. This variant is not present in population databases (ExAC no frequency). This sequence change replaces leucine with valine at codon 253 of the HGSNAT protein (p.Leu253Val). The leucine residue is moderately conserved and there is a small physicochemical difference between leucine and valine. Algorithms developed to predict the effect of sequence changes on RNA splicing suggest that this variant may create or strengthen a splice site. In summary, the available evidence is currently insufficient to determine the role of this variant in disease. Therefore, it has been classified as a Variant of Uncertain Significance.

NM_152419.3(HGSNAT):c.757C>G (p.Leu253Val)

Gene: HGSNAT (heparan-alpha-glucosaminide N-acetyltransferase; plus strand). Cytogenetic location: 8p11.21.
Variant type: single nucleotide variant.
Coding change: c.757C>G on transcript NM_152419.3 (MANE Select); coding-DNA position 757, C replaced by G.
Protein change: p.Leu253Val; replaces leucine 253 with valine.
Molecular consequence: missense variant. On other transcripts: 5 prime UTR variant (1).
Genome position (GRCh38, 1-based): chr8:43,172,323, C>G. VCF-style: chr8-43172323-C-G. GRCh37 (hg19) VCF-style: chr8-43027466-C-G.
Other names: c.757C>G, p.Leu253Val (NM_001363227.2, NM_001363228.2); c.-77C>G (NM_001363229.2); short protein forms L253V.
Identifiers: ClinVar variation 1449778 (VCV001449778.6), dbSNP rs2130750568, ClinGen allele CA371116314.